The following is an entry in ClinVar:

ClinVar aggregate classification (germline): Uncertain significance. Review status: criteria provided, multiple submitters, no conflicts (2 of 4 stars). 2 submissions from 2 submitters: Uncertain significance (2). Last evaluated 2022-09-01.

Conditions:
Temtamy syndrome (TEMTYS). Also called: MENTAL RETARDATION WITH OR WITHOUT CRANIOFACIAL DYSMORPHISM, OCULAR COLOBOMA, OR ABNORMAL CORPUS CALLOSUM. Identifiers: Orphanet 1777, MedGen C1857512, MONDO:0009033, OMIM 218340.

Allele frequency attached by ClinVar (database versions not stated): gnomAD 0.00001; gnomAD exomes 0.00001; TOPMed 0.00002.

Submissions (2):

Blueprint Genetics
Classification: Uncertain significance. Last evaluated: 2022-09-01. Review status: criteria provided, single submitter. Criteria: ACMG Guidelines, 2015. Collection method: clinical testing. Allele origin: germline.

Labcorp Genetics (formerly Invitae), Labcorp
Classification: Uncertain significance for Temtamy syndrome. Last evaluated: 2022-07-25. Review status: criteria provided, single submitter. Criteria: Invitae Variant Classification Sherloc (09022015). Collection method: clinical testing. Allele origin: germline.
Comment: This sequence change replaces arginine, which is basic and polar, with cysteine, which is neutral and slightly polar, at codon 83 of the C12orf57 protein (p.Arg83Cys). This variant is present in population databases (no rsID available, gnomAD 0.003%). This variant has not been reported in the literature in individuals affected with C12orf57-related conditions. ClinVar contains an entry for this variant (Variation ID: 842603). Algorithms developed to predict the effect of missense changes on protein structure and function are either unavailable or do not agree on the potential impact of this missense change (SIFT: "Deleterious"; PolyPhen-2: "Probably Damaging"; Align-GVGD: "Class C0"). In summary, the available evidence is currently insufficient to determine the role of this variant in disease. Therefore, it has been classified as a Variant of Uncertain Significance.

NM_138425.4(C12orf57):c.247C>T (p.Arg83Cys)

Gene: C12orf57 (chromosome 12 open reading frame 57; plus strand). Cytogenetic location: 12p13.31.
Variant type: single nucleotide variant.
Coding change: c.247C>T on transcript NM_138425.4 (MANE Select); coding-DNA position 247, C replaced by T.
Protein change: p.Arg83Cys; replaces arginine 83 with cysteine.
Molecular consequence: missense variant. On other transcripts: non-coding transcript variant (1).
Genome position (GRCh38, 1-based): chr12:6,945,788, C>T. VCF-style: chr12-6945788-C-T. GRCh37 (hg19) VCF-style: chr12-7054951-C-T.
Other names: c.247C>T, p.Arg83Cys (NM_001301834.1); c.208C>T, p.Arg70Cys (NM_001301836.2); c.160C>T, p.Arg54Cys (NM_001301837.2); c.142C>T, p.Arg48Cys (NM_001301838.2); short protein forms R48C, R54C, R83C, R70C.
Identifiers: ClinVar variation 842603 (VCV000842603.8), dbSNP rs1041306428, ClinGen allele CA232437618.